The following is an entry in ClinVar:

NM_170754.4(TNS2):c.126A>T (p.Lys42Asn)

Genes: TNS2 (tensin 2; plus strand), TNS2-AS1 (TNS2 antisense RNA 1; minus strand). Cytogenetic location: 12q13.13.
Variant type: single nucleotide variant.
Coding change: c.126A>T on transcript NM_170754.4 (MANE Select); coding-DNA position 126, A replaced by T.
Protein change: p.Lys42Asn; replaces lysine 42 with asparagine.
Molecular consequence: missense variant. On other transcripts: 5 prime UTR variant (1).
Genome position (GRCh38, 1-based): chr12:53,051,905, A>T. VCF-style: chr12-53051905-A-T. GRCh37 (hg19) VCF-style: chr12-53445689-A-T.
Other names: c.126A>T, p.Lys42Asn (NM_001416202.1, NM_001416204.1); c.57A>T, p.Lys19Asn (NM_001416203.1, NM_015319.3); c.-247A>T (NM_198316.2); short protein forms K42N, K52N, K19N.
Identifiers: ClinVar variation 2091593 (VCV002091593.4), dbSNP rs751421693, ClinGen allele CA6591787.

ClinVar aggregate classification (germline): Uncertain significance (1 of 4 stars; one submission).

Allele frequency attached by ClinVar (database versions not stated): gnomAD exomes below 0.00001; ExAC 0.00001.
gnomAD v4.1: 1 of 1,613,446 alleles (0.000062%); highest among the groups gnomAD compares: Admixed American, 0.0017%; no homozygotes.

Submission:

Labcorp Genetics (formerly Invitae), Labcorp
Classification: Uncertain significance. Last evaluated: 2022-05-31. Review status: criteria provided, single submitter. Criteria: Invitae Variant Classification Sherloc (09022015). Collection method: clinical testing. Allele origin: germline.
Comment: This sequence change replaces lysine, which is basic and polar, with asparagine, which is neutral and polar, at codon 52 of the TNS2 protein (p.Lys52Asn). This variant is present in population databases (rs751421693, gnomAD 0.003%). This variant has not been reported in the literature in individuals affected with TNS2-related conditions. Algorithms developed to predict the effect of missense changes on protein structure and function are either unavailable or do not agree on the potential impact of this missense change (SIFT: "Deleterious"; PolyPhen-2: "Possibly Damaging"; Align-GVGD: "Class C0"). In summary, the available evidence is currently insufficient to determine the role of this variant in disease. Therefore, it has been classified as a Variant of Uncertain Significance.